The following is an entry in ClinVar:

ClinVar aggregate classification (germline): Uncertain significance (1 of 4 stars; one submission).

Conditions:
Autosomal recessive limb-girdle muscular dystrophy type 2J (LGMDR10). Also called: Limb-girdle muscular dystrophy, type 2J; MUSCULAR DYSTROPHY, LIMB-GIRDLE, AUTOSOMAL RECESSIVE 10. Identifiers: Orphanet 140922, MedGen C1837342, MONDO:0012127, OMIM 608807.
Dilated cardiomyopathy 1G (CMD1G). Identifiers: Orphanet 154, MedGen C1858763, MONDO:0011400, OMIM 604145.

gnomAD v4.1: 1 of 1,613,784 alleles (0.000062%); highest among the groups gnomAD compares: African/African-American, 0.0013%; no homozygotes.

Submission:

Labcorp Genetics (formerly Invitae), Labcorp
Classification: Uncertain significance for Dilated cardiomyopathy 1G; Autosomal recessive limb-girdle muscular dystrophy type 2J. Last evaluated: 2024-08-15. Review status: criteria provided, single submitter. Criteria: Invitae Variant Classification Sherloc (09022015). Collection method: clinical testing. Allele origin: germline.
Comment: This sequence change replaces methionine, which is neutral and non-polar, with threonine, which is neutral and polar, at codon 33820 of the TTN protein (p.Met33820Thr). This variant is not present in population databases (gnomAD no frequency). This variant has not been reported in the literature in individuals affected with TTN-related conditions. Experimental studies and prediction algorithms are not available or were not evaluated, and the functional significance of this variant is currently unknown. This variant is located in the M band of TTN (PMID: 25589632). Non-truncating variants in this region may be relevant for neuromuscular disorders, but have not been definitively shown to cause cardiomyopathy (PMID: 23975875). In summary, the available evidence is currently insufficient to determine the role of this variant in disease. Therefore, it has been classified as a Variant of Uncertain Significance.

Literature cited by the submitters: PubMed 25589632; PubMed 23975875.

NM_001267550.2(TTN):c.101459T>C (p.Met33820Thr)

Genes: TTN (titin; minus strand), TTN-AS1 (TTN antisense RNA 1; plus strand). Cytogenetic location: 2q31.2.
Variant type: single nucleotide variant.
Coding change: c.101459T>C on transcript NM_001267550.2 (MANE Select); coding-DNA position 101459, T replaced by C.
Protein change: p.Met33820Thr; replaces methionine 33820 with threonine.
Molecular consequence: missense variant.
Genome position (GRCh38, 1-based): chr2:178,535,156, A>G on the plus strand (T>C on the coding strand, the complement: TTN is on the minus strand). VCF-style: chr2-178535156-A-G. GRCh37 (hg19) VCF-style: chr2-179399883-A-G.
Other names: c.96536T>C, p.Met32179Thr (NM_001256850.1); c.74264T>C, p.Met24755Thr (NM_003319.4); c.93755T>C, p.Met31252Thr (NM_133378.4); c.74639T>C, p.Met24880Thr (NM_133432.3); c.74840T>C, p.Met24947Thr (NM_133437.4); short protein forms M24755T, M24880T, M24947T, M31252T, M32179T, M33820T.
Identifiers: ClinVar variation 3750887 (VCV003750887.2).